The following is an entry in ClinVar:

ClinVar aggregate classification (germline): Likely benign (1 of 4 stars; one submission).

gnomAD v4.1: 13 of 1,613,792 alleles (0.00081%); highest among the groups gnomAD compares: Admixed American, 0.02%; no homozygotes.

Submission:

CeGaT Center for Human Genetics Tuebingen
Classification: Likely benign. Last evaluated: 2026-01-01. Review status: criteria provided, single submitter. Criteria: CeGaT Center For Human Genetics Tuebingen Variant Classification Criteria Version 2. Collection method: clinical testing. Allele origin: germline. Affected: yes. Observed: 1 variant allele.
Comment: MYO5A: BP4, BP7

NM_001382347.1(MYO5A):c.3252G>A (p.Glu1084=)

Gene: MYO5A (myosin VA; minus strand). Cytogenetic location: 15q21.2.
Variant type: single nucleotide variant.
Coding change: c.3252G>A on transcript NM_001382347.1 (MANE Select); coding-DNA position 3252, G replaced by A.
Protein change: p.Glu1084=; no amino-acid change (glutamic acid 1084 retained).
Molecular consequence: synonymous variant.
Genome position (GRCh38, 1-based): chr15:52,364,611, C>T on the plus strand (G>A on the coding strand, the complement: MYO5A is on the minus strand). VCF-style: chr15-52364611-C-T. GRCh37 (hg19) VCF-style: chr15-52656808-C-T.
Other names: c.3252G>A, p.Glu1084= (NM_000259.3, NM_001142495.2, NM_001411135.1); c.3324G>A, p.Glu1108= (NM_001382348.1, NM_001382349.1).
Identifiers: ClinVar variation 4823094 (VCV004823094.4).
Genomic context (GRCh38, chr15:52,364,611, plus strand): 5'-CACCACCATAAGGGTCATCTCTTCCTTGAGGTCATCATATCTTTCTTCCAGGCGACTGAA[C>T]TCATTCAGAAGGTTCTGATATCTCAGCCTTTCATCATTAAGGTCGAGTTCCAGTTGTTTC-3'
Protein context (NP_001369276.1, residues 1074-1094): ERLRYQNLLN[Glu1084=]FSRLEERYDD